The following is an entry in ClinVar:

NM_001282531.3(ADNP):c.3104A>C (p.Lys1035Thr)

Gene: ADNP (activity dependent neuroprotector homeobox; minus strand). Cytogenetic location: 20q13.13.
Variant type: single nucleotide variant.
Coding change: c.3104A>C on transcript NM_001282531.3 (MANE Select); coding-DNA position 3104, A replaced by C.
Protein change: p.Lys1035Thr; replaces lysine 1035 with threonine.
Molecular consequence: missense variant.
Genome position (GRCh38, 1-based): chr20:50,891,610, T>G on the plus strand (A>C on the coding strand, the complement: ADNP is on the minus strand). VCF-style: chr20-50891610-T-G. GRCh37 (hg19) VCF-style: chr20-49508147-T-G.
Other names: c.3104A>C, p.Lys1035Thr (NM_001282532.2, NM_001347511.2, NM_015339.5 and 1 more transcripts); c.3320A>C, p.Lys1107Thr (NM_001439000.1); c.2420A>C, p.Lys807Thr (NM_001439001.1); short protein forms K1035T, K1107T, K807T.
Identifiers: ClinVar variation 4525824 (VCV004525824.1).

ClinVar aggregate classification (germline): Uncertain significance (1 of 4 stars; one submission).

Submission:

Women's Health and Genetics/Laboratory Corporation of America, LabCorp
Classification: Uncertain significance. Last evaluated: 2025-07-17. Review status: criteria provided, single submitter. Criteria: LabCorp Variant Classification Summary - May 2015. Collection method: clinical testing. Allele origin: germline.
Comment: Variant summary: ADNP c.3104A>C (p.Lys1035Thr) results in a non-conservative amino acid change in the encoded protein sequence. Algorithms developed to predict the effect of missense changes on protein structure and function are either unavailable or do not agree on the potential impact of this missense change. The variant was absent in 251178 control chromosomes. The available data on variant occurrences in the general population are insufficient to allow any conclusion about variant significance. To our knowledge, no occurrence of c.3104A>C in individuals affected with ADNP-Related Multiple Congenital Anomalies-Intellectual Disability-Autism Spectrum Disorder and no experimental evidence demonstrating its impact on protein function have been reported. No submitters have cited clinical-significance assessments for this variant to ClinVar. Based on the evidence outlined above, the variant was classified as uncertain significance.